The following is an entry in ClinVar:

NM_152743.4(BRAT1):c.102C>G (p.Asp34Glu)

Gene: BRAT1 (BRCA1 associated ATM activator 1; minus strand). Cytogenetic location: 7p22.3.
Variant type: single nucleotide variant.
Coding change: c.102C>G on transcript NM_152743.4 (MANE Select); coding-DNA position 102, C replaced by G.
Protein change: p.Asp34Glu; replaces aspartic acid 34 with glutamic acid.
Molecular consequence: missense variant. On other transcripts: 5 prime UTR variant (1), non-coding transcript variant (1).
Genome position (GRCh38, 1-based): chr7:2,554,330, G>C on the plus strand (C>G on the coding strand, the complement: BRAT1 is on the minus strand). VCF-style: chr7-2554330-G-C. GRCh37 (hg19) VCF-style: chr7-2593964-G-C.
Other names: c.102C>G, p.Asp34Glu (NM_001350626.2); c.-276C>G (NM_001350627.2); short protein forms D34E.
Identifiers: ClinVar variation 1483413 (VCV001483413.6), dbSNP rs764923581, ClinGen allele CA4128322.
Genomic context (GRCh38, chr7:2,554,330, plus strand): 5'-TGGATAGGCAGTAAACAGCAGCACCACCTCCTTACCTCCTTCAGTGACCGTTTTAAACCA[G>C]TCCAGGAGCTTCTCCAAACAGGTGTCATCTGCCACCGGCTGCCTGGGATCTACCAGAACA-3'
Protein context (NP_689956.2, residues 24-44): ADDTCLEKLL[Asp34Glu]WFKTVTEGES

ClinVar aggregate classification (germline): Uncertain significance (1 of 4 stars; one submission).

Conditions:
Neonatal-onset encephalopathy with rigidity and seizures. Also called: Lethal neonatal spasticity-epileptic encephalopathy syndrome. Identifiers: Orphanet 435845, MedGen C3281029, MONDO:0013784, OMIM 614498.

Allele frequency attached by ClinVar (database versions not stated): gnomAD exomes below 0.00001 and 0.00001; TOPMed below 0.00001; gnomAD 0.00001; ExAC 0.00002.
gnomAD v4.1: 7 of 1,613,866 alleles (0.00043%); highest among the groups gnomAD compares: South Asian, 0.0066%; no homozygotes.

Submission:

Labcorp Genetics (formerly Invitae), Labcorp
Classification: Uncertain significance for Neonatal-onset encephalopathy with rigidity and seizures. Last evaluated: 2022-02-03. Review status: criteria provided, single submitter. Criteria: Invitae Variant Classification Sherloc (09022015). Collection method: clinical testing. Allele origin: germline.
Comment: In summary, the available evidence is currently insufficient to determine the role of this variant in disease. Therefore, it has been classified as a Variant of Uncertain Significance. Algorithms developed to predict the effect of missense changes on protein structure and function (SIFT, PolyPhen-2, Align-GVGD) all suggest that this variant is likely to be disruptive. This variant has not been reported in the literature in individuals affected with BRAT1-related conditions. This variant is present in population databases (rs764923581, gnomAD 0.006%). This sequence change replaces aspartic acid, which is acidic and polar, with glutamic acid, which is acidic and polar, at codon 34 of the BRAT1 protein (p.Asp34Glu).